The following is an entry in ClinVar:

ClinVar aggregate classification (germline): Likely benign (0 of 4 stars; one submission).

Conditions:
SMAD7-related disorder. Also called: SMAD7-related condition.

Allele frequency attached by ClinVar (database versions not stated): gnomAD exomes 0.00024; gnomAD 0.00028; TOPMed 0.00028; ExAC 0.00094.
gnomAD v4.1: 384 of 1,508,608 alleles (0.025%); highest among the groups gnomAD compares: Middle Eastern, 0.053%; 1 homozygote.

Submission:

PreventionGenetics, part of Exact Sciences
Classification: Likely benign for SMAD7-related condition. Last evaluated: 2019-06-11. Review status: no assertion criteria provided. Collection method: clinical testing. Allele origin: germline.
Comment: This variant is classified as likely benign based on ACMG/AMP sequence variant interpretation guidelines (Richards et al. 2015 PMID: 25741868, with internal and published modifications).

NM_005904.4(SMAD7):c.186G>A (p.Leu62=)

Gene: SMAD7 (SMAD family member 7; minus strand). Cytogenetic location: 18q21.1.
Variant type: single nucleotide variant.
Coding change: c.186G>A on transcript NM_005904.4 (MANE Select); coding-DNA position 186, G replaced by A.
Protein change: p.Leu62=; no amino-acid change (leucine 62 retained).
Molecular consequence: synonymous variant.
Genome position (GRCh38, 1-based): chr18:48,950,239, C>T on the plus strand (G>A on the coding strand, the complement: SMAD7 is on the minus strand). VCF-style: chr18-48950239-C-T. GRCh37 (hg19) VCF-style: chr18-46476609-C-T.
Other names: c.186G>A, p.Leu62= (NM_001190821.2).
Identifiers: ClinVar variation 3033527 (VCV003033527.2), dbSNP rs763219099, ClinGen allele CA8957861.
Genomic context (GRCh38, chr18:48,950,239, plus strand): 5'-GGCGCCCGCGGCTGGCGGGTGGGGATGGTGGTGACCTTTGGCACCTCGCACCGCCTTGCC[C>T]AGGCAGCATCCAGCCCTGCCCGGGCCGCCGCCACCGGCCCCATGCGCTCGGCTGTCCGTC-3'
Protein context (NP_005895.1, residues 52-72): GGGPGRAGCC[Leu62=]GKAVRGAKGH